The following is an entry in ClinVar:

ClinVar aggregate classification (germline): Pathogenic (1 of 4 stars; one submission).

Conditions:
X-linked Alport syndrome (ATS1). Also called: NEPHROPATHY AND DEAFNESS, X-LINKED; COL4A5-Related Nephropathy. Identifiers: Orphanet 63, Orphanet 88917, MedGen C4746986, MONDO:0010520, OMIM 301050.

Submission:

Centre de Génétique Humaine, Institut de Pathologie Et de Génétique
Classification: Pathogenic for X-linked Alport syndrome. Last evaluated: 2026-06-11. Review status: criteria provided, single submitter. Criteria: ACMG Guidelines, 2015. Collection method: clinical testing. Allele origin: germline. Inheritance: X-linked dominant inheritance. Affected: yes. Observed: 1 variant allele, 1 heterozygote. Segregation with disease not observed.
Comment: This 1bp deletion is a frameshift variant predicted to result in protein truncation or nonsense mediated decay in a gene for which loss-of-function is a known mechanism of disease (PVS1). This variant is rare: absent in gnomAD v4.1.0 database (PM2). Described in a family with X-linked AS (PP5)

Literature cited by the submitters: PubMed 38547852.

NM_033380.3(COL4A5):c.836del

Gene: COL4A5 (collagen type IV alpha 5 chain; plus strand). Cytogenetic location: Xq22.3.
Variant type: Deletion.
Coding change: c.836del on transcript NM_033380.3 (MANE Select); coding-DNA position 836, one base deleted (G; older notation c.836delG).
Molecular consequence: splice acceptor variant.
Genome position (GRCh38, 1-based): chrX:108,580,683, G deleted; the last of 3 consecutive G bases (chrX:108,580,681-108,580,683); deleting any one gives the same sequence. VCF-style (leftmost placement, unchanged base first): chrX-108580680-AG-A. GRCh37 (hg19) VCF-style: chrX-107823910-AG-A.
Other names: p.(Gly279Valfs*67).
Identifiers: ClinVar variation 5041981 (VCV005041981.1).